The following is an entry in ClinVar:

ClinVar aggregate classification (germline): Pathogenic (1 of 4 stars; one submission).

Conditions:
Hereditary hemorrhagic telangiectasia (HHT). Also called: Osler hemorrhagic telangiectasia syndrome; ORW DISEASE; Osler Weber Rendu syndrome; OSLER-RENDU-WEBER DISEASE. Identifiers: Orphanet 774, MedGen C0039445, MONDO:0019180. Disease mechanism: loss of function.

Submission:

Labcorp Genetics (formerly Invitae), Labcorp
Classification: Pathogenic for Hereditary hemorrhagic telangiectasia. Last evaluated: 2019-01-31. Review status: criteria provided, single submitter. Criteria: Invitae Variant Classification Sherloc (09022015). Collection method: clinical testing. Allele origin: germline.
Comment: This sequence change creates a premature translational stop signal (p.Thr193Valfs*26) in the ENG gene. It is expected to result in an absent or disrupted protein product. This variant is not present in population databases (ExAC no frequency). This variant has not been reported in the literature in individuals with ENG-related conditions. Loss-of-function variants in ENG are known to be pathogenic (PMID: 15879500, 20656886, 22385575). For these reasons, this variant has been classified as Pathogenic.

Literature cited by the submitters: PubMed 15879500; PubMed 20656886; PubMed 22385575.

NM_001114753.3(ENG):c.577_588delinsGT (p.Thr193fs)

Gene: ENG (endoglin; minus strand). Cytogenetic location: 9q34.11.
Variant type: Indel.
Coding change: c.577_588delinsGT on transcript NM_001114753.3 (MANE Select); coding-DNA positions 577 to 588, ACGCTCGAGTGG replaced by GT.
Protein change: p.Thr193fs; shifts the reading frame from threonine 193.
Molecular consequence: frameshift variant.
Genome position (GRCh38, 1-based): chr9:127,825,796-127,825,807, CCACTCGAGCGT replaced by AC on the plus strand (ACGCTCGAGTGG replaced by GT on the coding strand, the reverse complement: ENG is on the minus strand). VCF-style: chr9-127825796-CCACTCGAGCGT-AC. GRCh37 (hg19) VCF-style: chr9-130588075-CCACTCGAGCGT-AC.
Other names: c.577_588delACGCTCGAGTGGinsGT, p.Thr193Valfs (NM_000118.4, NM_001406715.1); c.31_42delinsGT, p.Thr11fs (NM_001278138.2); short protein forms T193fs, T11fs.
Identifiers: ClinVar variation 964747 (VCV000964747.8), dbSNP rs1830601036, ClinGen allele CA1139661217.